The following is an entry in ClinVar:

ClinVar aggregate classification (germline): Uncertain significance (1 of 4 stars; one submission).

Conditions:
TNXB-related disorder. Also called: TNXB-related condition.

gnomAD v4.1: 2 of 1,612,584 alleles (0.00012%); highest among the groups gnomAD compares: Non-Finnish European, 0.000085%; no homozygotes.

Submission:

PreventionGenetics, part of Exact Sciences
Classification: Uncertain significance for TNXB-related condition. Last evaluated: 2026-07-06. Review status: criteria provided, single submitter. Criteria: ACMG Guidelines, 2015. Collection method: clinical testing. Allele origin: germline.
Comment: The TNXB c.6669T>G variant is predicted to result in the amino acid substitution p.His2223Gln. To our knowledge, this variant has not been reported in the literature or in a large population database (gnomAD), indicating this variant is rare. At this time, the clinical significance of this variant is uncertain due to the absence of conclusive functional and genetic evidence.

NM_001365276.2(TNXB):c.6669T>G (p.His2223Gln)

Gene: TNXB (tenascin XB; minus strand). Cytogenetic location: 6p21.33.
Variant type: single nucleotide variant.
Coding change: c.6669T>G on transcript NM_001365276.2 (MANE Select); coding-DNA position 6669, T replaced by G.
Protein change: p.His2223Gln; replaces histidine 2223 with glutamine.
Molecular consequence: missense variant.
Genome position (GRCh38, 1-based): chr6:32,064,993, A>C on the plus strand (T>G on the coding strand, the complement: TNXB is on the minus strand). VCF-style: chr6-32064993-A-C. GRCh37 (hg19) VCF-style: chr6-32032770-A-C.
Other names: c.7410T>G, p.His2470Gln (NM_001428335.1); c.6669T>G, p.His2223Gln (NM_019105.8); short protein forms H2470Q, H2223Q.
Identifiers: ClinVar variation 4996282 (VCV004996282.1).